The following is an entry in ClinVar:

ClinVar aggregate classification (germline): Benign/Likely benign. Review status: criteria provided, multiple submitters, no conflicts (2 of 4 stars). 3 submissions from 3 submitters: Benign (1); Likely benign (2). Last evaluated 2025-03-30.

Conditions:
Hereditary cancer-predisposing syndrome. Also called: Hereditary Cancer Syndrome; Neoplastic Syndromes, Hereditary; Tumor predisposition; Hereditary neoplastic syndrome. Identifiers: Orphanet 140162, MedGen C0027672, MeSH D009386, MONDO:0015356.
Familial cancer of breast. Also called: BREAST CANCER, FAMILIAL; Hereditary breast cancer; hereditary breast carcinoma. Identifiers: Orphanet 227535, MedGen C0346153, MONDO:0016419, OMIM 114480. Disease mechanism: loss of function.

Allele frequency attached by ClinVar (database versions not stated): gnomAD exomes below 0.00001.
gnomAD v4.1: 1 of 1,557,854 alleles (0.000064%); highest among the groups gnomAD compares: South Asian, 0.0011%; no homozygotes.

Submissions (3):

Labcorp Genetics (formerly Invitae), Labcorp
Classification: Likely benign for Familial cancer of breast. Last evaluated: 2025-03-30. Review status: criteria provided, single submitter. Criteria: Invitae Variant Classification Sherloc (09022015). Collection method: clinical testing. Allele origin: germline.

Myriad Genetics, Inc.
Classification: Benign for Familial cancer of breast. Last evaluated: 2024-10-03. Review status: criteria provided, single submitter. Criteria: Myriad Autosomal Dominant, Autosomal Recessive and X-Linked Classification Criteria (2023). Collection method: clinical testing. Allele origin: unknown.
Comment: This variant is considered benign. This variant is a silent/synonymous amino acid change and it is not expected to impact splicing.

Ambry Genetics
Classification: Likely benign for Hereditary cancer-predisposing syndrome. Last evaluated: 2015-10-17. Review status: criteria provided, single submitter. Criteria: Ambry Variant Classification Scheme 2023. Collection method: clinical testing. Allele origin: germline.

NM_007194.4(CHEK2):c.852C>T (p.Cys284=)

Gene: CHEK2 (checkpoint kinase 2; minus strand). Cytogenetic location: 22q12.1.
Variant type: single nucleotide variant.
Coding change: c.852C>T on transcript NM_007194.4 (MANE Select); coding-DNA position 852, C replaced by T.
Protein change: p.Cys284=; no amino-acid change (cysteine 284 retained).
Molecular consequence: synonymous variant.
Genome position (GRCh38, 1-based): chr22:28,703,561, G>A on the plus strand (C>T on the coding strand, the complement: CHEK2 is on the minus strand). VCF-style: chr22-28703561-G-A. GRCh37 (hg19) VCF-style: chr22-29099549-G-A.
Other names: c.981C>T, p.Cys327= (NM_001005735.3); c.189C>T, p.Cys63= (NM_001257387.3); c.651C>T, p.Cys217= (NM_001349956.3); c.852C>T, p.Cys284= (NM_145862.3).
Identifiers: ClinVar variation 479538 (VCV000479538.18), dbSNP rs1555917031, ClinGen allele CA513945094.
Genomic context (GRCh38, chr22:28,703,561, plus strand): 5'-TTACAATTCCAAAACAATATAATAATCTTCTGCATCAAAAAAGTTTTTAATCTTGATGAT[G>A]CAAGGCTAAGAAGAGGGGGAGAAAAAAGGGAAAGTAGTGAGAAACTCCCAAGAGGAAAAC-3'
Protein context (NP_009125.1, residues 274-294): IEILKKLNHP[Cys284=]IIKIKNFFDA